The following is an entry in ClinVar:

NM_000069.3(CACNA1S):c.3669C>G (p.Asp1223Glu)

Gene: CACNA1S (calcium voltage-gated channel subunit alpha1 S; minus strand). Cytogenetic location: 1q32.1.
Variant type: single nucleotide variant.
Coding change: c.3669C>G on transcript NM_000069.3 (MANE Select); coding-DNA position 3669, C replaced by G.
Protein change: p.Asp1223Glu; replaces aspartic acid 1223 with glutamic acid.
Molecular consequence: missense variant.
Genome position (GRCh38, 1-based): chr1:201,053,585, G>C on the plus strand (C>G on the coding strand, the complement: CACNA1S is on the minus strand). VCF-style: chr1-201053585-G-C. GRCh37 (hg19) VCF-style: chr1-201022713-G-C.
Other names: short protein forms D1223E.
Identifiers: ClinVar variation 1467084 (VCV001467084.8), dbSNP rs2102562430, ClinGen allele CA344155097.
Genomic context (GRCh38, chr1:201,053,585, plus strand): 5'-CAGCCTCATGACACGGAACAGGCGGAAGAAGGCGCTGGAGATGCGGGCACTCTCATCTGG[G>C]TCCTGCGGGGCAGCAGCCCCAGAGGTCAGTCTGGGGGCAGAACCTCAGAGGGGTAAGGGG-3'
Protein context (NP_000060.2, residues 1213-1233): YCLGGGCGNV[Asp1223Glu]PDESARISSA

ClinVar aggregate classification (germline): Uncertain significance (1 of 4 stars; one submission).

Conditions:
Hypokalemic periodic paralysis, type 1. Also called: HypoPP; Hypokalemic Periodic Paralysis Type 1 (AD). Identifiers: Orphanet 681, MedGen C3714580, MONDO:0042979, OMIM 170400.
Malignant hyperthermia, susceptibility to, 5 (MHS5). Also called: CACNA1S-Related Malignant Hyperthermia Susceptibility. Identifiers: Orphanet 423, MedGen C1866077, MONDO:0011163, OMIM 601887.

Submission:

Labcorp Genetics (formerly Invitae), Labcorp
Classification: Uncertain significance for Hypokalemic periodic paralysis, type 1; Malignant hyperthermia, susceptibility to, 5. Last evaluated: 2022-07-11. Review status: criteria provided, single submitter. Criteria: Invitae Variant Classification Sherloc (09022015). Collection method: clinical testing. Allele origin: germline.
Comment: In summary, the available evidence is currently insufficient to determine the role of this variant in disease. Therefore, it has been classified as a Variant of Uncertain Significance. Algorithms developed to predict the effect of missense changes on protein structure and function are either unavailable or do not agree on the potential impact of this missense change (SIFT: "Tolerated"; PolyPhen-2: "Possibly Damaging"; Align-GVGD: "Class C0"). ClinVar contains an entry for this variant (Variation ID: 1467084). This variant has not been reported in the literature in individuals affected with CACNA1S-related conditions. This variant is not present in population databases (gnomAD no frequency). This sequence change replaces aspartic acid, which is acidic and polar, with glutamic acid, which is acidic and polar, at codon 1223 of the CACNA1S protein (p.Asp1223Glu).